The following is an entry in ClinVar:

NM_001365276.2(TNXB):c.9791G>A (p.Arg3264His)

Gene: TNXB (tenascin XB; minus strand). Cytogenetic location: 6p21.33.
Variant type: single nucleotide variant.
Coding change: c.9791G>A on transcript NM_001365276.2 (MANE Select); coding-DNA position 9791, G replaced by A.
Protein change: p.Arg3264His; replaces arginine 3264 with histidine.
Molecular consequence: missense variant.
Genome position (GRCh38, 1-based): chr6:32,048,617, C>T on the plus strand (G>A on the coding strand, the complement: TNXB is on the minus strand). VCF-style: chr6-32048617-C-T. GRCh37 (hg19) VCF-style: chr6-32016394-C-T.
Other names: c.9785G>A, p.Arg3262His (NM_019105.8); short protein forms R3262H, R3264H.
Identifiers: ClinVar variation 1703882 (VCV001703882.9), dbSNP rs369185486, ClinGen allele CA3733390.

ClinVar aggregate classification (germline): Uncertain significance. Review status: criteria provided, multiple submitters, no conflicts (2 of 4 stars). 3 submissions from 3 submitters: Uncertain significance (3). Last evaluated 2025-04-09.

Conditions:
Cardiovascular phenotype. Identifiers: MedGen CN230736.

Allele frequency attached by ClinVar (database versions not stated): 1000 Genomes Project 0.00020; TOPMed 0.00022; ExAC 0.00010; 1000 Genomes Project 30x 0.00016; gnomAD exomes 0.00002; ESP Exome Variant Server 0.00008; gnomAD 0.00015.
gnomAD v4.1: 55 of 1,517,078 alleles (0.0036%); highest among the groups gnomAD compares: African/African-American, 0.06%; 1 homozygote.

Submissions (3):

Women's Health and Genetics/Laboratory Corporation of America, LabCorp
Classification: Uncertain significance. Last evaluated: 2025-04-09. Review status: criteria provided, single submitter. Criteria: LabCorp Variant Classification Summary - May 2015. Collection method: clinical testing. Allele origin: germline.
Comment: Variant summary: TNXB c.9785G>A (p.Arg3262His) results in a non-conservative amino acid change in the encoded protein sequence. Three of four in-silico tools predict a benign effect of the variant on protein function. The variant allele was found at a frequency of 7.9e-05 in 202210 control chromosomes. This frequency is not significantly higher than estimated for a pathogenic variant in TNXB causing Ehlers-Danlos syndrome due to tenascin-X deficiency (7.9e-05 vs 0.0011), allowing no conclusion about variant significance. To our knowledge, no occurrence of c.9785G>A in individuals affected with Ehlers-Danlos syndrome due to tenascin-X deficiency and no experimental evidence demonstrating its impact on protein function have been reported. ClinVar contains an entry for this variant (Variation ID: 1703882). Based on the evidence outlined above, the variant was classified as uncertain significance.

Ambry Genetics
Classification: Uncertain significance for Cardiovascular phenotype. Last evaluated: 2024-10-30. Review status: criteria provided, single submitter. Criteria: Ambry Variant Classification Scheme 2023. Collection method: clinical testing. Allele origin: germline.

GeneDx
Classification: Uncertain significance. Last evaluated: 2024-02-16. Review status: criteria provided, single submitter. Criteria: GeneDx Variant Classification Process June 2021. Collection method: clinical testing. Allele origin: germline. Affected: yes.
Comment: Has not been previously published as pathogenic or benign to our knowledge; In silico analysis supports that this missense variant has a deleterious effect on protein structure/function